The following is an entry in ClinVar:

ClinVar aggregate classification (germline): Uncertain significance. Review status: criteria provided, multiple submitters, no conflicts (2 of 4 stars). 2 submissions from 2 submitters: Uncertain significance (2). Last evaluated 2025-06-24.

Conditions:
Hereditary cancer-predisposing syndrome. Also called: Hereditary neoplastic syndrome; Neoplastic Syndromes, Hereditary; Tumor predisposition; Hereditary Cancer Syndrome. Identifiers: Orphanet 140162, MedGen C0027672, MeSH D009386, MONDO:0015356.

Submissions (2):

Ambry Genetics
Classification: Uncertain significance for Hereditary cancer-predisposing syndrome. Last evaluated: 2025-06-24. Review status: criteria provided, single submitter. Criteria: Ambry Variant Classification Scheme 2023. Collection method: clinical testing. Allele origin: germline.
Comment: The p.S325C variant (also known as c.973A>T), located in coding exon 7 of the FH gene, results from an A to T substitution at nucleotide position 973. The serine at codon 325 is replaced by cysteine, an amino acid with dissimilar properties. This amino acid position is highly conserved in available vertebrate species. In addition, this alteration is predicted to be deleterious by in silico analysis. Based on the available evidence, the clinical significance of this variant remains unclear.

Labcorp Genetics (formerly Invitae), Labcorp
Classification: Uncertain significance. Last evaluated: 2022-04-27. Review status: criteria provided, single submitter. Criteria: Invitae Variant Classification Sherloc (09022015). Collection method: clinical testing. Allele origin: germline.
Comment: This sequence change replaces serine, which is neutral and polar, with cysteine, which is neutral and slightly polar, at codon 325 of the FH protein (p.Ser325Cys). This variant is not present in population databases (gnomAD no frequency). This variant has not been reported in the literature in individuals affected with FH-related conditions. Advanced modeling of protein sequence and biophysical properties (such as structural, functional, and spatial information, amino acid conservation, physicochemical variation, residue mobility, and thermodynamic stability) performed at Invitae indicates that this missense variant is expected to disrupt FH protein function. In summary, the available evidence is currently insufficient to determine the role of this variant in disease. Therefore, it has been classified as a Variant of Uncertain Significance.

NM_000143.4(FH):c.973A>T (p.Ser325Cys)

Gene: FH (fumarate hydratase; minus strand). Cytogenetic location: 1q43.
Variant type: single nucleotide variant.
Coding change: c.973A>T on transcript NM_000143.4 (MANE Select); coding-DNA position 973, A replaced by T.
Protein change: p.Ser325Cys; replaces serine 325 with cysteine.
Molecular consequence: missense variant.
Genome position (GRCh38, 1-based): chr1:241,504,177, T>A on the plus strand (A>T on the coding strand, the complement: FH is on the minus strand). VCF-style: chr1-241504177-T-A. GRCh37 (hg19) VCF-style: chr1-241667477-T-A.
Other names: short protein forms S325C.
Identifiers: ClinVar variation 1511238 (VCV001511238.8), dbSNP rs201124581, ClinGen allele CA345438306.